The following is an entry in ClinVar:

ClinVar aggregate classification (germline): Benign/Likely benign. Review status: criteria provided, multiple submitters, no conflicts (2 of 4 stars). 8 submissions from 8 submitters: Benign (5); Likely benign (1). 2 of the submissions do not count toward it. Last evaluated 2026-01-21.

Conditions:
Dystonic disorder. Also called: Dystonia. Identifiers: MedGen C0013421, MONDO:0003441, HP:0001332.
Early-onset generalized limb-onset dystonia. Also called: Dystonia-1, torsion; DYSTONIA MUSCULORUM DEFORMANS 1; DYT1 Early-Onset Primary Dystonia; DYT-TOR1A; Dystonia 1, modifier of; Oppenheim's dystonia. Identifiers: Orphanet 256, MedGen C1851945, MONDO:0007492, OMIM 128100.

Allele frequency attached by ClinVar (database versions not stated): TOPMed 0.01159; ESP Exome Variant Server 0.01361; 1000 Genomes Project 30x 0.01608; 1000 Genomes Project 0.01657.
gnomAD v4.1: 26,530 of 1,614,012 alleles (1.6%); highest among the groups gnomAD compares: South Asian, 6.7%; 501 homozygotes.

Submissions 1 to 31 of 82:

Labcorp Genetics (formerly Invitae), Labcorp
Classification: Benign for Dystonic disorder. Last evaluated: 2026-01-21. Review status: criteria provided, single submitter. Criteria: Invitae Variant Classification Sherloc (09022015). Collection method: clinical testing. Allele origin: germline.

Blueprint Genetics
Classification: Likely benign. Last evaluated: 2024-11-27. Review status: criteria provided, single submitter. Criteria: ACMG Guidelines, 2015. Collection method: clinical testing. Allele origin: germline.

GeneDx
Classification: Benign. Last evaluated: 2018-12-09. Review status: criteria provided, single submitter. Criteria: GeneDx Variant Classification Process June 2021. Collection method: clinical testing. Allele origin: germline. Affected: yes.

Illumina Laboratory Services, Illumina
Classification: Benign for Early-onset generalized limb-onset dystonia. Last evaluated: 2018-01-12. Review status: criteria provided, single submitter. Criteria: ICSL Variant Classification Criteria 13 December 2019. Collection method: clinical testing. Allele origin: germline.
Comment: This variant was observed in the ICSL laboratory as part of a predisposition screen in an ostensibly healthy population. It had not been previously curated by ICSL or reported in the Human Gene Mutation Database (HGMD: prior to June 1st, 2018), and was therefore a candidate for classification through an automated scoring system. Utilizing variant allele frequency, disease prevalence and penetrance estimates, and inheritance mode, an automated score was calculated to assess if this variant is too frequent to cause the disease. Based on the score and internal cut-off values, a variant classified as benign is not then subjected to further curation. The score for this variant resulted in a classification of benign for this disease.

Breakthrough Genomics
Classification: Benign. Review status: criteria provided, single submitter. Criteria: ACMG Guidelines, 2015. Collection method: not provided. Allele origin: germline. Inheritance: Autosomal recessive inheritance. Affected: yes.

PreventionGenetics, part of Exact Sciences
Classification: Benign. Review status: criteria provided, single submitter. Criteria: ACMG Guidelines, 2015. Collection method: clinical testing. Allele origin: germline.

Dr. Peter K. Rogan Lab, Western University
No classification provided (evidence only). Condition: Lung cancer. Review status: no classification provided. Collection method: in vitro. Allele origin: not applicable. Functional consequence: retained intron. Not counted in ClinVar's aggregate classification.

Dr. Peter K. Rogan Lab, Western University
No classification provided (evidence only). Condition: Lung cancer. Review status: no classification provided. Collection method: in vitro. Allele origin: not applicable. Functional consequence: retained intron. Not counted in ClinVar's aggregate classification.

Dr. Peter K. Rogan Lab, Western University
No classification provided (evidence only). Condition: Lung cancer. Review status: no classification provided. Collection method: in vitro. Allele origin: not applicable. Functional consequence: retained intron. Not counted in ClinVar's aggregate classification.

Dr. Peter K. Rogan Lab, Western University
No classification provided (evidence only). Condition: Lung cancer. Review status: no classification provided. Collection method: in vitro. Allele origin: not applicable. Functional consequence: retained intron. Not counted in ClinVar's aggregate classification.

Dr. Peter K. Rogan Lab, Western University
No classification provided (evidence only). Condition: Lung cancer. Review status: no classification provided. Collection method: in vitro. Allele origin: not applicable. Functional consequence: retained intron. Not counted in ClinVar's aggregate classification.

Dr. Peter K. Rogan Lab, Western University
No classification provided (evidence only). Condition: Lung cancer. Review status: no classification provided. Collection method: in vitro. Allele origin: not applicable. Functional consequence: retained intron. Not counted in ClinVar's aggregate classification.

Dr. Peter K. Rogan Lab, Western University
No classification provided (evidence only). Condition: Lung cancer. Review status: no classification provided. Collection method: in vitro. Allele origin: not applicable. Functional consequence: retained intron. Not counted in ClinVar's aggregate classification.

Dr. Peter K. Rogan Lab, Western University
No classification provided (evidence only). Condition: Lung cancer. Review status: no classification provided. Collection method: in vitro. Allele origin: not applicable. Functional consequence: retained intron. Not counted in ClinVar's aggregate classification.

Dr. Peter K. Rogan Lab, Western University
No classification provided (evidence only). Condition: Lung cancer. Review status: no classification provided. Collection method: in vitro. Allele origin: not applicable. Functional consequence: retained intron. Not counted in ClinVar's aggregate classification.

Dr. Peter K. Rogan Lab, Western University
No classification provided (evidence only). Condition: Acute myeloid leukemia. Review status: no classification provided. Collection method: in vitro. Allele origin: not applicable. Functional consequence: retained intron. Not counted in ClinVar's aggregate classification.

Dr. Peter K. Rogan Lab, Western University
No classification provided (evidence only). Condition: Acute myeloid leukemia. Review status: no classification provided. Collection method: in vitro. Allele origin: not applicable. Functional consequence: retained intron. Not counted in ClinVar's aggregate classification.

Dr. Peter K. Rogan Lab, Western University
No classification provided (evidence only). Condition: Acute myeloid leukemia. Review status: no classification provided. Collection method: in vitro. Allele origin: not applicable. Functional consequence: retained intron. Not counted in ClinVar's aggregate classification.

Dr. Peter K. Rogan Lab, Western University
No classification provided (evidence only). Condition: Acute myeloid leukemia. Review status: no classification provided. Collection method: in vitro. Allele origin: not applicable. Functional consequence: retained intron. Not counted in ClinVar's aggregate classification.

Dr. Peter K. Rogan Lab, Western University
No classification provided (evidence only). Condition: Acute myeloid leukemia. Review status: no classification provided. Collection method: in vitro. Allele origin: not applicable. Functional consequence: retained intron. Not counted in ClinVar's aggregate classification.

Dr. Peter K. Rogan Lab, Western University
No classification provided (evidence only). Condition: Acute myeloid leukemia. Review status: no classification provided. Collection method: in vitro. Allele origin: not applicable. Functional consequence: retained intron. Not counted in ClinVar's aggregate classification.

Dr. Peter K. Rogan Lab, Western University
No classification provided (evidence only). Condition: Uterine corpus endometrial carcinoma. Review status: no classification provided. Collection method: in vitro. Allele origin: not applicable. Functional consequence: retained intron. Not counted in ClinVar's aggregate classification.

Dr. Peter K. Rogan Lab, Western University
No classification provided (evidence only). Condition: Cervical cancer. Review status: no classification provided. Collection method: in vitro. Allele origin: not applicable. Functional consequence: retained intron. Not counted in ClinVar's aggregate classification.

Dr. Peter K. Rogan Lab, Western University
No classification provided (evidence only). Condition: Cervical cancer. Review status: no classification provided. Collection method: in vitro. Allele origin: not applicable. Functional consequence: retained intron. Not counted in ClinVar's aggregate classification.

Dr. Peter K. Rogan Lab, Western University
No classification provided (evidence only). Condition: Cervical cancer. Review status: no classification provided. Collection method: in vitro. Allele origin: not applicable. Functional consequence: retained intron. Not counted in ClinVar's aggregate classification.

Dr. Peter K. Rogan Lab, Western University
No classification provided (evidence only). Condition: Cervical cancer. Review status: no classification provided. Collection method: in vitro. Allele origin: not applicable. Functional consequence: retained intron. Not counted in ClinVar's aggregate classification.

Dr. Peter K. Rogan Lab, Western University
No classification provided (evidence only). Condition: Cervical cancer. Review status: no classification provided. Collection method: in vitro. Allele origin: not applicable. Functional consequence: retained intron. Not counted in ClinVar's aggregate classification.

Dr. Peter K. Rogan Lab, Western University
No classification provided (evidence only). Condition: Cervical cancer. Review status: no classification provided. Collection method: in vitro. Allele origin: not applicable. Functional consequence: retained intron. Not counted in ClinVar's aggregate classification.

Dr. Peter K. Rogan Lab, Western University
No classification provided (evidence only). Condition: Cervical cancer. Review status: no classification provided. Collection method: in vitro. Allele origin: not applicable. Functional consequence: retained intron. Not counted in ClinVar's aggregate classification.

Dr. Peter K. Rogan Lab, Western University
No classification provided (evidence only). Condition: Cervical cancer. Review status: no classification provided. Collection method: in vitro. Allele origin: not applicable. Functional consequence: retained intron. Not counted in ClinVar's aggregate classification.

Dr. Peter K. Rogan Lab, Western University
No classification provided (evidence only). Condition: Sarcoma. Review status: no classification provided. Collection method: in vitro. Allele origin: not applicable. Functional consequence: retained intron. Not counted in ClinVar's aggregate classification.

NM_000113.3(TOR1A):c.749-11C>A

Gene: TOR1A (torsin family 1 member A; minus strand). Cytogenetic location: 9q34.11.
Variant type: single nucleotide variant.
Coding change: c.749-11C>A on transcript NM_000113.3 (MANE Select); 11 bases into the intron before coding-DNA position 749, C replaced by A.
Molecular consequence: intron variant.
Genome position (GRCh38, 1-based): chr9:129,814,233, G>T on the plus strand (C>A on the coding strand, the complement: TOR1A is on the minus strand). VCF-style: chr9-129814233-G-T. GRCh37 (hg19) VCF-style: chr9-132576512-G-T.
Identifiers: ClinVar variation 255137 (VCV000255137.20), dbSNP rs72755217, ClinGen allele CA5278541.